The following is an entry in ClinVar:

NM_001369.3(DNAH5):c.10657_10658insAGATGTGTATAAGAGACAG (p.Arg3553fs)

Gene: DNAH5 (dynein axonemal heavy chain 5; minus strand). Cytogenetic location: 5p15.2.
Variant type: Insertion.
Coding change: c.10657_10658insAGATGTGTATAAGAGACAG on transcript NM_001369.3 (MANE Select); coding-DNA positions 10657 to 10658, AGATGTGTATAAGAGACAG inserted.
Protein change: p.Arg3553fs; shifts the reading frame from arginine 3553.
Molecular consequence: frameshift variant.
Genome position: GRCh38 VCF-style: chr5-13753447-C-CCTGTCTCTTATACACATCT. GRCh37 (hg19) VCF-style: chr5-13753556-C-CCTGTCTCTTATACACATCT.
Other names: short protein forms R3553fs.
Identifiers: ClinVar variation 5011080 (VCV005011080.1).

ClinVar aggregate classification (germline): Pathogenic (1 of 4 stars; one submission).

Conditions:
Primary ciliary dyskinesia 3. Identifiers: Orphanet 244, MedGen C1837618, MONDO:0012085, OMIM 608644.

Submission:

Myriad Genetics, Inc.
Classification: Pathogenic for Primary ciliary dyskinesia 3. Last evaluated: 2024-05-14. Review status: criteria provided, single submitter. Criteria: Myriad Autosomal Dominant, Autosomal Recessive and X-Linked Classification Criteria (2023). Collection method: clinical testing. Allele origin: unknown.
Comment: NM_001369.2(DNAH5):c.10657_10658ins19(R3553Qfs*19) is expected to be pathogenic in the context of primary ciliary dyskinesia, DNAH5-related. This variant is predicted to lead to an abnormal or absent protein product due to the creation of a premature termination codon in DNAH5, a gene where loss-of-function variants are known to be pathogenic. Please note: this variant was assessed in the context of healthy population screening.